The following is an entry in ClinVar:

NM_006361.6(HOXB13):c.751G>T (p.Ala251Ser)

Gene: HOXB13 (homeobox B13; minus strand). Cytogenetic location: 17q21.32.
Variant type: single nucleotide variant.
Coding change: c.751G>T on transcript NM_006361.6 (MANE Select); coding-DNA position 751, G replaced by T.
Protein change: p.Ala251Ser; replaces alanine 251 with serine.
Molecular consequence: missense variant.
Genome position (GRCh38, 1-based): chr17:48,726,894, C>A on the plus strand (G>T on the coding strand, the complement: HOXB13 is on the minus strand). VCF-style: chr17-48726894-C-A. GRCh37 (hg19) VCF-style: chr17-46804256-C-A.
Other names: short protein forms A251S.
Identifiers: ClinVar variation 959179 (VCV000959179.8), dbSNP rs2038216742, ClinGen allele CA400106047.

ClinVar aggregate classification (germline): Uncertain significance. Review status: criteria provided, multiple submitters, no conflicts (2 of 4 stars). 2 submissions from 2 submitters: Uncertain significance (2). Last evaluated 2024-04-25.

Conditions:
Hereditary cancer-predisposing syndrome. Also called: Tumor predisposition; Hereditary neoplastic syndrome; Neoplastic Syndromes, Hereditary; Hereditary Cancer Syndrome. Identifiers: Orphanet 140162, MedGen C0027672, MeSH D009386, MONDO:0015356.

Allele frequency attached by ClinVar (database versions not stated): gnomAD exomes below 0.00001.

Submissions (2):

Ambry Genetics
Classification: Uncertain significance for Hereditary cancer-predisposing syndrome. Last evaluated: 2024-04-25. Review status: criteria provided, single submitter. Criteria: Ambry Variant Classification Scheme 2023. Collection method: clinical testing. Allele origin: germline.
Comment: The p.A251S variant (also known as c.751G>T), located in coding exon 2 of the HOXB13 gene, results from a G to T substitution at nucleotide position 751. The alanine at codon 251 is replaced by serine, an amino acid with similar properties. This amino acid position is conserved. In addition, the in silico prediction for this alteration is inconclusive. Based on the available evidence, the clinical significance of this variant remains unclear.

Labcorp Genetics (formerly Invitae), Labcorp
Classification: Uncertain significance. Last evaluated: 2023-12-19. Review status: criteria provided, single submitter. Criteria: Invitae Variant Classification Sherloc (09022015). Collection method: clinical testing. Allele origin: germline.
Comment: This sequence change replaces alanine, which is neutral and non-polar, with serine, which is neutral and polar, at codon 251 of the HOXB13 protein (p.Ala251Ser). This variant is not present in population databases (gnomAD no frequency). This variant has not been reported in the literature in individuals affected with HOXB13-related conditions. ClinVar contains an entry for this variant (Variation ID: 959179). Advanced modeling of protein sequence and biophysical properties (such as structural, functional, and spatial information, amino acid conservation, physicochemical variation, residue mobility, and thermodynamic stability) performed at Invitae indicates that this missense variant is not expected to disrupt HOXB13 protein function with a negative predictive value of 80%. In summary, the available evidence is currently insufficient to determine the role of this variant in disease. Therefore, it has been classified as a Variant of Uncertain Significance.